The following is an entry in ClinVar:

NM_014003.4(DHX38):c.3193G>A (p.Asp1065Asn)

Genes: DHX38 (DEAH-box helicase 38; plus strand), LOC126862391 (CDK7 strongly-dependent group 2 enhancer GRCh37_chr16:72141414-72142613; plus strand). Cytogenetic location: 16q22.2.
Variant type: single nucleotide variant.
Coding change: c.3193G>A on transcript NM_014003.4 (MANE Select); coding-DNA position 3193, G replaced by A.
Protein change: p.Asp1065Asn; replaces aspartic acid 1065 with asparagine.
Molecular consequence: missense variant.
Genome position (GRCh38, 1-based): chr16:72,108,545, G>A. VCF-style: chr16-72108545-G-A. GRCh37 (hg19) VCF-style: chr16-72142444-G-A.
Other names: c.3193G>A (NM_014003.3); short protein forms D1065N.
Identifiers: ClinVar variation 1485710 (VCV001485710.9), dbSNP rs752923486, ClinGen allele CA8160906.
Genomic context (GRCh38, chr16:72,108,545, plus strand): 5'-CGAGCTCAACTCAAGGACATCATGGTGCAGCAGCGGATGAGCCTGGCCTCGTGTGGCACT[G>A]ACTGGGACATCGTCAGGAAGTGCATCTGTGCTGCCTATTTCCACCAAGCAGCCAAGCTCA-3'
Protein context (NP_054722.2, residues 1055-1075): QRMSLASCGT[Asp1065Asn]WDIVRKCICA

ClinVar aggregate classification (germline): Uncertain significance. Review status: criteria provided, multiple submitters, no conflicts (2 of 4 stars). 2 submissions from 2 submitters: Uncertain significance (2). Last evaluated 2024-11-21.

Allele frequency attached by ClinVar (database versions not stated): gnomAD exomes below 0.00001; ExAC 0.00001.
gnomAD v4.1: 2 of 1,614,196 alleles (0.00012%); highest among the groups gnomAD compares: Non-Finnish European, 0.00017%; no homozygotes.

Submissions (2):

Ambry Genetics
Classification: Uncertain significance. Last evaluated: 2024-11-21. Review status: criteria provided, single submitter. Criteria: Ambry Variant Classification Scheme 2023. Collection method: clinical testing. Allele origin: germline.

Labcorp Genetics (formerly Invitae), Labcorp
Classification: Uncertain significance. Last evaluated: 2020-11-20. Review status: criteria provided, single submitter. Criteria: Invitae Variant Classification Sherloc (09022015). Collection method: clinical testing. Allele origin: germline.
Comment: In summary, the available evidence is currently insufficient to determine the role of this variant in disease. Therefore, it has been classified as a Variant of Uncertain Significance. Algorithms developed to predict the effect of missense changes on protein structure and function are either unavailable or do not agree on the potential impact of this missense change (SIFT: "Deleterious"; PolyPhen-2: "Benign"; Align-GVGD: "Class C15"). This variant has not been reported in the literature in individuals with DHX38-related conditions. This variant is present in population databases (rs752923486, ExAC 0.002%). This sequence change replaces aspartic acid with asparagine at codon 1065 of the DHX38 protein (p.Asp1065Asn). The aspartic acid residue is highly conserved and there is a small physicochemical difference between aspartic acid and asparagine.